The following is an entry in ClinVar:

ClinVar aggregate classification (germline): Uncertain significance (1 of 4 stars; one submission).

Submission:

Labcorp Genetics (formerly Invitae), Labcorp
Classification: Uncertain significance. Last evaluated: 2019-01-22. Review status: criteria provided, single submitter. Criteria: Invitae Variant Classification Sherloc (09022015). Collection method: clinical testing. Allele origin: germline.
Comment: Algorithms developed to predict the effect of missense changes on protein structure and function output the following: SIFT: "Tolerated"; PolyPhen-2: "Benign"; Align-GVGD: "Class C0". The proline amino acid residue is found in multiple mammalian species, suggesting that this missense change does not adversely affect protein function. These predictions have not been confirmed by published functional studies and their clinical significance is uncertain. This variant has not been reported in the literature in individuals with RINT1-related conditions. This variant is not present in population databases (ExAC no frequency). This sequence change replaces histidine with proline at codon 126 of the RINT1 protein (p.His126Pro). The histidine residue is moderately conserved and there is a moderate physicochemical difference between histidine and proline. In summary, the available evidence is currently insufficient to determine the role of this variant in disease. Therefore, it has been classified as a Variant of Uncertain Significance.

NM_021930.6(RINT1):c.377A>C (p.His126Pro)

Gene: RINT1 (RAD50 interactor 1; plus strand). Cytogenetic location: 7q22.3.
Variant type: single nucleotide variant.
Coding change: c.377A>C on transcript NM_021930.6 (MANE Select); coding-DNA position 377, A replaced by C.
Protein change: p.His126Pro; replaces histidine 126 with proline.
Molecular consequence: missense variant. On other transcripts: 5 prime UTR variant (3), non-coding transcript variant (1).
Genome position (GRCh38, 1-based): chr7:105,542,511, A>C. VCF-style: chr7-105542511-A-C. GRCh37 (hg19) VCF-style: chr7-105182958-A-C.
Other names: c.143A>C, p.His48Pro (NM_001346599.2); c.-643A>C (NM_001346600.2); c.-546A>C (NM_001346601.2); c.-166A>C (NM_001346603.2); short protein forms H126P, H48P.
Identifiers: ClinVar variation 844189 (VCV000844189.9), dbSNP rs1790499902, ClinGen allele CA368803297.